The following is an entry in ClinVar:

NM_001378778.1(MPDZ):c.1117A>C (p.Ser373Arg)

Gene: MPDZ (multiple PDZ domain crumbs cell polarity complex component; minus strand). Cytogenetic location: 9p23.
Variant type: single nucleotide variant.
Coding change: c.1117A>C on transcript NM_001378778.1 (MANE Select); coding-DNA position 1117, A replaced by C.
Protein change: p.Ser373Arg; replaces serine 373 with arginine.
Molecular consequence: missense variant.
Genome position (GRCh38, 1-based): chr9:13,217,264, T>G on the plus strand (A>C on the coding strand, the complement: MPDZ is on the minus strand). VCF-style: chr9-13217264-T-G. GRCh37 (hg19) VCF-style: chr9-13217263-T-G.
Other names: c.1117A>C, p.Ser373Arg (NM_001261406.2, NM_001261407.2, NM_001330637.2 and 14 more transcripts); short protein forms S373R.
Identifiers: ClinVar variation 3397594 (VCV003397594.3).

ClinVar aggregate classification (germline): Uncertain significance. Review status: criteria provided, multiple submitters, no conflicts (2 of 4 stars). 2 submissions from 2 submitters: Uncertain significance (2). Last evaluated 2024-10-28.

Conditions:
Inborn genetic diseases. Identifiers: MedGen C0950123, MeSH D030342.

gnomAD v4.1: 27 of 1,599,360 alleles (0.0017%); highest among the groups gnomAD compares: Non-Finnish European, 0.0022%; no homozygotes.

Submissions (2):

Ambry Genetics
Classification: Uncertain significance for Inborn genetic diseases. Last evaluated: 2024-10-28. Review status: criteria provided, single submitter. Criteria: Ambry Variant Classification Scheme 2023. Collection method: clinical testing. Allele origin: germline.

Labcorp Genetics (formerly Invitae), Labcorp
Classification: Uncertain significance. Last evaluated: 2024-02-19. Review status: criteria provided, single submitter. Criteria: Invitae Variant Classification Sherloc (09022015). Collection method: clinical testing. Allele origin: germline.
Comment: This sequence change replaces serine, which is neutral and polar, with arginine, which is basic and polar, at codon 373 of the MPDZ protein (p.Ser373Arg). This variant is present in population databases (rs753278452, gnomAD 0.004%). This variant has not been reported in the literature in individuals affected with MPDZ-related conditions. An algorithm developed to predict the effect of missense changes on protein structure and function (PolyPhen-2) suggests that this variant is likely to be tolerated. In summary, the available evidence is currently insufficient to determine the role of this variant in disease. Therefore, it has been classified as a Variant of Uncertain Significance.